The following is an entry in ClinVar:

NM_000969.5(RPL5):c.9_12del (p.Phe3fs)

Genes: DIPK1A (divergent protein kinase domain 1A; minus strand), RPL5 (ribosomal protein L5; plus strand). Cytogenetic location: 1p22.1.
Variant type: Deletion.
Coding change: c.9_12del on transcript NM_000969.5 (MANE Select); coding-DNA positions 9 to 12, 4 bases deleted (TGTT; older notation c.9_12delTGTT).
Protein change: p.Phe3fs; shifts the reading frame from phenylalanine 3.
Molecular consequence: frameshift variant. On other transcripts: non-coding transcript variant (1), intron variant (1).
Genome position (GRCh38, 1-based): chr1:92,833,394-92,833,397, TGTT deleted; deleting any 4 consecutive bases within chr1:92,833,391-92,833,397 gives the same sequence; the c. name uses the placement nearest the transcript's 3' end. VCF-style (leftmost placement, unchanged base first): chr1-92833390-GGTTT-G. GRCh37 (hg19) VCF-style: chr1-93298947-GGTTT-G.
Other names: c.475-360_475-357del (NM_001252273.2); short protein forms F3fs.
Identifiers: ClinVar variation 842399 (VCV000842399.9), dbSNP rs1686990557, ClinGen allele CA916082042.
Genomic context (GRCh38, chr1:92,833,390, plus strand): 5'-TGTCAAAAGTATCATAGGCTAAGACATCAAAGTTTTAATAACATTCTTTTTTCTTTAAGG[GGTTT>G]GTTAAAGTTGTTAAGAATAAGGCCTACTTTAAGAGATACCAAGTGAAATTTAGAAGACGA-3'

ClinVar aggregate classification (germline): Pathogenic (1 of 4 stars; one submission).

Conditions:
Diamond-Blackfan anemia. Also called: Blackfan Diamond syndrome; Aregenerative anemia chronic congenital; Red cell aplasia, pure hereditary; Congenital hypoplastic anemia; Aase syndrome. Identifiers: Orphanet 124, MedGen C1260899, MeSH D029503, MONDO:0015253, HP:0004810.

Submission:

Labcorp Genetics (formerly Invitae), Labcorp
Classification: Pathogenic for Diamond-Blackfan anemia. Last evaluated: 2024-04-09. Review status: criteria provided, single submitter. Criteria: Invitae Variant Classification Sherloc (09022015). Collection method: clinical testing. Allele origin: germline.
Comment: This sequence change creates a premature translational stop signal (p.Phe3Leufs*15) in the RPL5 gene. It is expected to result in an absent or disrupted protein product. Loss-of-function variants in RPL5 are known to be pathogenic (PMID: 19061985, 19773262). This variant is not present in population databases (gnomAD no frequency). This variant has not been reported in the literature in individuals affected with RPL5-related conditions. ClinVar contains an entry for this variant (Variation ID: 842399). For these reasons, this variant has been classified as Pathogenic.

Literature cited by the submitters: PubMed 19061985; PubMed 19773262.